The following is an entry in ClinVar:

ClinVar aggregate classification (germline): Pathogenic. Review status: reviewed by expert panel (3 of 4 stars). 2 submissions from 2 submitters: Pathogenic (1). 1 of the submissions does not count toward it. Last evaluated 2024-02-20.

Conditions:
RPE65-related recessive retinopathy. Also called: Recessive RPE65 retinopathy. Identifiers: MedGen CN305526, MONDO:0100368.
Leber congenital amaurosis 2 (LCA2). Also called: AMAUROSIS CONGENITA OF LEBER II; Autosomal Recessive RPE65-Related Retinal Degeneration. Identifiers: Orphanet 65, MedGen C1859844, MONDO:0008765, OMIM 204100. Disease mechanism: loss of function.

Submissions (2):

ClinGen Leber Congenital Amaurosis/early Onset Retinal Dystrophy Variant Curation Expert Panel, ClinGen
Classification: Pathogenic for RPE65-related recessive retinopathy. Last evaluated: 2024-02-20. Review status: reviewed by expert panel. Criteria: ClinGen LCAeoRD ACMG Specifications RPE65 V1.0.0. Collection method: curation. Allele origin: germline. Inheritance: Autosomal recessive inheritance.
Comment: NM_000329.3(RPE65):c.859delG (p.Val287PhefsTer38) is a frameshift variant that introduces a premature stop codon into exon 9 of 14, and is predicted to lead to nonsense-mediated decay in a gene in which loss-of-function is an established mechanism of disease (PVS1). This variant is absent from gnomAD v2.1.1 (PM2_Supporting). At least one proband harboring this variant exhibits a phenotype including a clinical diagnosis of Leber congenital amaurosis (0.5 pts), loss of visual acuity (1 pt) since age 1 year (1 pt), nystagmus (1 pt), night blindness (0.5 pts), pigmentary retinopathy with attenuated vessels (0.5 pts), and pale optic disc (0.5 pts), which together are specific for RPE65-related recessive retinopathy (5 points, PMID: 34492281, PP4). The variant has been reported to segregate with childhood-onset severe retinal dystrophy through the proband plus 2 similarly affected relatives, with the variant present in the compound heterozygous state (PMID: 34492281, PP1_moderate). In summary, this variant meets the criteria to be classified as pathogenic for RPE65-related recessive retinopathy based on the ACMG/AMP criteria applied, as specified by the ClinGen LCA / eoRD VCEP: PVS1, PM2_supporting, and PP1_moderate. (VCEP specifications version 1.0.0; date of approval 09/21/2023).

DBGen Ocular Genomics
Classification: Pathogenic for Leber congenital amaurosis 2. Last evaluated: 2021-06-22. Review status: criteria provided, single submitter. Criteria: ACMG Guidelines, 2015. Collection method: clinical testing. Allele origin: germline. Affected: yes. Observed: 1 variant allele. Not counted in ClinVar's aggregate classification.

NM_000329.3(RPE65):c.859del

Gene: RPE65 (retinoid isomerohydrolase RPE65; minus strand). Cytogenetic location: 1p31.3.
Variant type: Deletion.
Coding change: c.859del on transcript NM_000329.3 (MANE Select); coding-DNA position 859, one base deleted (G; older notation c.859delG).
Molecular consequence: splice acceptor variant.
Genome position (GRCh38, 1-based): chr1:68,439,081, C deleted on the plus strand (G on the coding strand, the reverse complement: RPE65 is on the minus strand); the first of 2 consecutive C bases (chr1:68,439,081-68,439,082); deleting either gives the same sequence. VCF-style (leftmost placement, unchanged base first): chr1-68439080-AC-A. GRCh37 (hg19) VCF-style: chr1-68904763-AC-A.
Identifiers: ClinVar variation 1213917 (VCV001213917.3), dbSNP rs2100818777, ClinGen allele CA2497030002.
Genomic context (GRCh38, chr1:68,439,080, plus strand): 5'-GAAGTTCTGTATTTATTATTGAGGTACTTTTTCCTTTTTTTGTCAGCAATATGAAGCCAA[AC>A]CTTGAAAAATGAGGAAAATATTTTGATGCATTTAAAAAGGAAAAAAGTGTACATTATTAA-3'